The following is an entry in ClinVar:

NM_000255.4(MMUT):c.1706T>C (p.Leu569Pro)

Gene: MMUT (methylmalonyl-CoA mutase; minus strand). Cytogenetic location: 6p12.3.
Variant type: single nucleotide variant.
Coding change: c.1706T>C on transcript NM_000255.4 (MANE Select); coding-DNA position 1706, T replaced by C.
Protein change: p.Leu569Pro; replaces leucine 569 with proline.
Molecular consequence: missense variant.
Genome position (GRCh38, 1-based): chr6:49,441,942, A>G on the plus strand (T>C on the coding strand, the complement: MMUT is on the minus strand). VCF-style: chr6-49441942-A-G. GRCh37 (hg19) VCF-style: chr6-49409655-A-G.
Other names: short protein forms L569P.
Identifiers: ClinVar variation 4293988 (VCV004293988.1).

ClinVar aggregate classification (germline): Uncertain significance (1 of 4 stars; one submission).

Conditions:
Methylmalonic aciduria due to methylmalonyl-CoA mutase deficiency (MAMM). Also called: Methylmalonic aciduria, mut type. Identifiers: Orphanet 27, MedGen C1855114, MONDO:0009612, OMIM 251000.

Submission:

3billion
Classification: Uncertain significance for Methylmalonic aciduria due to methylmalonyl-CoA mutase deficiency. Last evaluated: 2024-08-19. Review status: criteria provided, single submitter. Criteria: ACMG Guidelines, 2015. Collection method: clinical testing. Allele origin: germline. Affected: yes.
Comment: The variant is not observed in the gnomAD v4.0.0 dataset. Predicted Consequence/Location: Missense variant In silico tool predictions suggest damaging effect of the variant on gene or gene product [REVEL: 0.94 (>=0.6, sensitivity 0.68 and specificity 0.92); 3Cnet: 0.62 (>=0.6, sensitivity 0.72 and precision 0.9)]. Therefore, this variant is classified as VUS according to the recommendation of ACMG/AMP guideline.